The following is an entry in ClinVar:

NM_001290060.2(SEMA3B):c.398C>T (p.Thr133Met)

Gene: SEMA3B (semaphorin 3B; plus strand). Cytogenetic location: 3p21.31.
Variant type: single nucleotide variant.
Coding change: c.398C>T on transcript NM_001290060.2 (MANE Select); coding-DNA position 398, C replaced by T.
Protein change: p.Thr133Met; replaces threonine 133 with methionine.
Molecular consequence: missense variant.
Genome position (GRCh38, 1-based): chr3:50,270,957, C>T. VCF-style: chr3-50270957-C-T. GRCh37 (hg19) VCF-style: chr3-50308388-C-T.
Other names: c.398C>T, p.Thr133Met (NM_001005914.3, NM_001290061.1, NM_004636.4); short protein forms T133M.
Identifiers: ClinVar variation 2634321 (VCV002634321.3), dbSNP rs367658577, ClinGen allele CA2413747.

ClinVar aggregate classification (germline): Uncertain significance (1 of 4 stars; one submission).

Conditions:
SEMA3B-related disorder. Also called: SEMA3B-related condition.

Allele frequency attached by ClinVar (database versions not stated): gnomAD exomes 0.00003; ExAC 0.00010; ESP Exome Variant Server 0.00024; gnomAD 0.00025; TOPMed 0.00034.

Submission:

PreventionGenetics, part of Exact Sciences
Classification: Uncertain significance for SEMA3B-related condition. Last evaluated: 2026-03-10. Review status: criteria provided, single submitter. Criteria: ACMG Guidelines, 2015. Collection method: clinical testing. Allele origin: germline.
Comment: The SEMA3B c.398C>T variant is predicted to result in the amino acid substitution p.Thr133Met. To our knowledge, this variant has not been reported in the literature. This variant is reported in 0.063% of alleles in individuals of African descent in gnomAD, which may be too common to be a primary cause of disease. Although we suspect that this variant may be benign, at this time, the clinical significance of this variant is uncertain due to the absence of conclusive functional and genetic evidence.